The following is an entry in ClinVar:

ClinVar aggregate classification (germline): Likely benign (1 of 4 stars; one submission).

gnomAD v4.1: 3 of 1,593,854 alleles (0.00019%); highest among the groups gnomAD compares: Non-Finnish European, 0.00026%; no homozygotes.

Submission:

CeGaT Center for Human Genetics Tuebingen
Classification: Likely benign. Last evaluated: 2025-12-01. Review status: criteria provided, single submitter. Criteria: CeGaT Center For Human Genetics Tuebingen Variant Classification Criteria Version 2. Collection method: clinical testing. Allele origin: germline. Affected: yes. Observed: 1 variant allele.
Comment: ADGRV1: BP4, BP7

NM_032119.4(ADGRV1):c.5106A>G (p.Pro1702=)

Gene: ADGRV1 (adhesion G protein-coupled receptor V1; plus strand). Cytogenetic location: 5q14.3.
Variant type: single nucleotide variant.
Coding change: c.5106A>G on transcript NM_032119.4 (MANE Select); coding-DNA position 5106, A replaced by G.
Protein change: p.Pro1702=; no amino-acid change (proline 1702 retained).
Molecular consequence: synonymous variant. On other transcripts: non-coding transcript variant (1).
Genome position (GRCh38, 1-based): chr5:90,674,230, A>G. VCF-style: chr5-90674230-A-G. GRCh37 (hg19) VCF-style: chr5-89970047-A-G.
Identifiers: ClinVar variation 4681962 (VCV004681962.5).
Genomic context (GRCh38, chr5:90,674,230, plus strand): 5'-TGCAAGCATAGATCCTGAAAAGGAAACGACTGATATCACCATCAAAGCTAGTGATCATCC[A>G]TATGGTAACCTGCTCCTTTTGCAAGAAAAATCCTCTCTTCTCTGGGTGTACTTAGTTTTG-3'
Protein context (NP_115495.3, residues 1692-1712): TDITIKASDH[Pro1702=]YGLLQFSTGL